The following is an entry in ClinVar:

NM_152296.5(ATP1A3):c.1716C>G (p.Asn572Lys)

Gene: ATP1A3 (ATPase Na+/K+ transporting subunit alpha 3; minus strand). Cytogenetic location: 19q13.2.
Variant type: single nucleotide variant.
Coding change: c.1716C>G on transcript NM_152296.5 (MANE Select); coding-DNA position 1716, C replaced by G.
Protein change: p.Asn572Lys; replaces asparagine 572 with lysine.
Molecular consequence: missense variant.
Genome position (GRCh38, 1-based): chr19:41,978,241, G>C on the plus strand (C>G on the coding strand, the complement: ATP1A3 is on the minus strand). VCF-style: chr19-41978241-G-C. GRCh37 (hg19) VCF-style: chr19-42482393-G-C.
Other names: c.1749C>G, p.Asn583Lys (NM_001256213.2); c.1755C>G, p.Asn585Lys (NM_001256214.2); short protein forms N572K, N583K, N585K.
Identifiers: ClinVar variation 999211 (VCV000999211.8), dbSNP rs782017635, ClinGen allele CA406045745.

ClinVar aggregate classification (germline): Uncertain significance (1 of 4 stars; one submission).

Conditions:
Dystonia 12 (DYT12). Also called: DYT-ATP1A3; Rapid-Onset Dystonia-Parkinsonism (RDP). Identifiers: Orphanet 71517, MedGen C1868681, MONDO:0007496, OMIM 128235.

Submission:

Labcorp Genetics (formerly Invitae), Labcorp
Classification: Uncertain significance for Dystonia 12. Last evaluated: 2023-08-27. Review status: criteria provided, single submitter. Criteria: Invitae Variant Classification Sherloc (09022015). Collection method: clinical testing. Allele origin: germline.
Comment: In summary, the available evidence is currently insufficient to determine the role of this variant in disease. Therefore, it has been classified as a Variant of Uncertain Significance. Advanced modeling of protein sequence and biophysical properties (such as structural, functional, and spatial information, amino acid conservation, physicochemical variation, residue mobility, and thermodynamic stability) has been performed at Invitae for this missense variant, however the output from this modeling did not meet the statistical confidence thresholds required to predict the impact of this variant on ATP1A3 protein function. ClinVar contains an entry for this variant (Variation ID: 999211). This variant has not been reported in the literature in individuals affected with ATP1A3-related conditions. This variant is not present in population databases (gnomAD no frequency). This sequence change replaces asparagine, which is neutral and polar, with lysine, which is basic and polar, at codon 572 of the ATP1A3 protein (p.Asn572Lys).